The following is an entry in ClinVar:

ClinVar aggregate classification (germline): Uncertain significance (1 of 4 stars; one submission).

Conditions:
Cardiomyopathy (CMYO). Also called: Cardiomyopathies. Identifiers: Orphanet 167848, MedGen C0878544, MONDO:0004994, HP:0001638. Inheritance: Various modes of inheritance.

Submission:

Color Diagnostics, LLC DBA Color Health
Classification: Uncertain significance for Cardiomyopathy. Last evaluated: 2025-06-09. Review status: criteria provided, single submitter. Criteria: ACMG Guidelines, 2015. Collection method: clinical testing. Allele origin: germline.
Comment: This missense variant replaces glycine with aspartic acid at codon 48 of the PKP2 protein. To our knowledge, functional studies have not been reported for this variant. This variant has not been reported in individuals affected with PKP2-related disorders in the literature. This variant has not been identified in the general population by the Genome Aggregation Database (gnomAD). The available evidence is insufficient to determine the role of this variant in disease conclusively. Therefore, this variant is classified as a Variant of Uncertain Significance.

NM_001005242.3(PKP2):c.143_144delinsAT (p.Gly48Asp)

Gene: PKP2 (plakophilin 2; minus strand). Cytogenetic location: 12p11.21.
Variant type: Indel.
Coding change: c.143_144delinsAT on transcript NM_001005242.3 (MANE Select); coding-DNA positions 143 to 144, GC replaced by AT.
Protein change: p.Gly48Asp; replaces glycine 48 with aspartic acid.
Molecular consequence: missense variant. On other transcripts: 5 prime UTR variant (4).
Genome position (GRCh38, 1-based): chr12:32,896,588-32,896,589, GC replaced by AT on the plus strand (GC replaced by AT on the coding strand, the reverse complement: PKP2 is on the minus strand). VCF-style: chr12-32896588-GC-AT. GRCh37 (hg19) VCF-style: chr12-33049522-GC-AT.
Other names: c.143_144delinsAT, p.Gly48Asp (NM_001407155.1, NM_001407156.1, NM_001407157.1 and 2 more transcripts); c.-684_-683delinsAT (NM_001407158.1, NM_001407162.1); c.-448_-447delinsAT (NM_001407159.1, NM_001407160.1); short protein forms G48D.
Identifiers: ClinVar variation 4757116 (VCV004757116.1).